The following is an entry in ClinVar:

ClinVar aggregate classification (germline): Pathogenic. Review status: criteria provided, multiple submitters, no conflicts (2 of 4 stars). 5 submissions from 5 submitters: Pathogenic (4). 1 of the submissions does not count toward it. Last evaluated 2024-04-04.

Conditions:
DNAAF1-related disorders.
Primary ciliary dyskinesia. Also called: Ciliary dyskinesia. Identifiers: Orphanet 244, MedGen C0008780, MONDO:0016575, HP:0012265.
Primary ciliary dyskinesia 13. Also called: CILIARY DYSKINESIA, PRIMARY, 13, WITH OR WITHOUT SITUS INVERSUS. Identifiers: Orphanet 244, MedGen C2750790, MONDO:0013174, OMIM 613193.

Allele frequency attached by ClinVar (database versions not stated): TOPMed below 0.00001; gnomAD 0.00001.
gnomAD v4.1: 5 of 1,613,880 alleles (0.00031%); highest among the groups gnomAD compares: Non-Finnish European, 0.00042%; no homozygotes.

Submissions (5):

Genomic Medicine Center of Excellence, King Faisal Specialist Hospital and Research Centre
Classification: Pathogenic for Primary ciliary dyskinesia 13. Last evaluated: 2024-04-04. Review status: criteria provided, single submitter. Criteria: ACMG Guidelines, 2015. Collection method: clinical testing. Allele origin: germline.

MGZ Medical Genetics Center
Classification: Pathogenic for Primary ciliary dyskinesia 13. Last evaluated: 2021-10-06. Review status: criteria provided, single submitter. Criteria: ACMG Guidelines, 2015. Collection method: clinical testing. Allele origin: germline. Affected: yes. Observed: 1 variant allele.
Comment: ACMG criteria applied: PVS1, PM3, PM2_SUP, PP4

Blueprint Genetics
Classification: Pathogenic for DNAAF1-related disorders. Last evaluated: 2021-10-04. Review status: criteria provided, single submitter. Criteria: ACMG Guidelines, 2015. Collection method: clinical testing. Allele origin: germline. Affected: yes. Observed: 3 variant alleles.

Labcorp Genetics (formerly Invitae), Labcorp
Classification: Pathogenic for Primary ciliary dyskinesia. Last evaluated: 2019-03-18. Review status: criteria provided, single submitter. Criteria: Invitae Variant Classification Sherloc (09022015). Collection method: clinical testing. Allele origin: germline.
Comment: For these reasons, this variant has been classified as Pathogenic. Loss-of-function variants in DNAAF1 are known to be pathogenic (PMID: 19944400, 19944405). This variant has been observed in an individual affected with primary ciliary dyskinesia (PMID: 19944405). ClinVar contains an entry for this variant (Variation ID: 265). This variant is not present in population databases (ExAC no frequency). This sequence change creates a premature translational stop signal (p.Tyr264*) in the DNAAF1 gene. It is expected to result in an absent or disrupted protein product.

OMIM
Classification: Pathogenic for CILIARY DYSKINESIA, PRIMARY, 13. Last evaluated: 2009-12-01. Review status: no assertion criteria provided. Collection method: literature only. Allele origin: germline. Not counted in ClinVar's aggregate classification.

Literature cited by the submitters: PubMed 19944400 (cited by Labcorp Genetics (formerly Invitae), Labcorp); PubMed 19944405 (cited by Labcorp Genetics (formerly Invitae), Labcorp and OMIM).

NM_178452.6(DNAAF1):c.792C>A (p.Tyr264Ter)

Gene: DNAAF1 (dynein axonemal assembly factor 1; plus strand). Cytogenetic location: 16q24.1.
Variant type: single nucleotide variant.
Coding change: c.792C>A on transcript NM_178452.6 (MANE Select); coding-DNA position 792, C replaced by A.
Protein change: p.Tyr264Ter; replaces tyrosine 264 with a stop codon.
Molecular consequence: nonsense.
Genome position (GRCh38, 1-based): chr16:84,159,725, C>A. VCF-style: chr16-84159725-C-A. GRCh37 (hg19) VCF-style: chr16-84193330-C-A.
Other names: c.36C>A, p.Tyr12Ter (NM_001318756.1); short protein forms Y264*, Y12*.
Identifiers: ClinVar variation 265 (VCV000000265.16), dbSNP rs267607226, ClinGen allele CA251402.